The following is an entry in ClinVar:

ClinVar aggregate classification (germline): Uncertain significance (1 of 4 stars; one submission).

Submission:

Labcorp Genetics (formerly Invitae), Labcorp
Classification: Uncertain significance. Last evaluated: 2024-07-21. Review status: criteria provided, single submitter. Criteria: Invitae Variant Classification Sherloc (09022015). Collection method: clinical testing. Allele origin: germline.
Comment: This sequence change replaces glutamic acid, which is acidic and polar, with aspartic acid, which is acidic and polar, at codon 164 of the BACH2 protein (p.Glu164Asp). This variant is not present in population databases (gnomAD no frequency). This variant has not been reported in the literature in individuals affected with BACH2-related conditions. Advanced modeling of protein sequence and biophysical properties (such as structural, functional, and spatial information, amino acid conservation, physicochemical variation, residue mobility, and thermodynamic stability) performed at Invitae indicates that this missense variant is not expected to disrupt BACH2 protein function with a negative predictive value of 80%. In summary, the available evidence is currently insufficient to determine the role of this variant in disease. Therefore, it has been classified as a Variant of Uncertain Significance.

NM_021813.4(BACH2):c.492G>T (p.Glu164Asp)

Gene: BACH2 (BACH transcriptional regulator 2; minus strand). Cytogenetic location: 6q15.
Variant type: single nucleotide variant.
Coding change: c.492G>T on transcript NM_021813.4 (MANE Select); coding-DNA position 492, G replaced by T.
Protein change: p.Glu164Asp; replaces glutamic acid 164 with aspartic acid.
Molecular consequence: missense variant.
Genome position (GRCh38, 1-based): chr6:89,951,614, C>A on the plus strand (G>T on the coding strand, the complement: BACH2 is on the minus strand). VCF-style: chr6-89951614-C-A. GRCh37 (hg19) VCF-style: chr6-90661333-C-A.
Other names: c.492G>T, p.Glu164Asp (NM_001170794.2); short protein forms E164D.
Identifiers: ClinVar variation 3660101 (VCV003660101.2).